The following is an entry in ClinVar:

NM_133433.4(NIPBL):c.4344_4345del (p.His1448fs)

Gene: NIPBL (NIPBL cohesin loading factor; plus strand). Cytogenetic location: 5p13.2.
Variant type: Deletion.
Coding change: c.4344_4345del on transcript NM_133433.4 (MANE Select); coding-DNA positions 4344 to 4345, 2 bases deleted (TA; older notation c.4344_4345delTA).
Protein change: p.His1448fs; shifts the reading frame from histidine 1448.
Molecular consequence: frameshift variant.
Genome position (GRCh38, 1-based): chr5:37,008,646-37,008,647, TA deleted; deleting any 2 consecutive bases within chr5:37,008,645-37,008,647 gives the same sequence; the c. name uses the placement nearest the transcript's 3' end. VCF-style (leftmost placement, unchanged base first): chr5-37008644-CAT-C. GRCh37 (hg19) VCF-style: chr5-37008746-CAT-C.
Other names: c.4344_4345del, p.His1448fs (NM_001438586.1, NM_015384.5); short protein forms H1448fs.
Identifiers: ClinVar variation 4849590 (VCV004849590.1).

ClinVar aggregate classification (germline): Likely pathogenic (1 of 4 stars; one submission).

Conditions:
Cornelia de Lange syndrome 1 (CDLS1). Also called: TYPUS DEGENERATIVUS AMSTELODAMENSIS; Brachmann de Lange syndrome; NIPBL-Related Cornelia de Lange Syndrome. Identifiers: Orphanet 199, MedGen C4551851, MONDO:0007387, OMIM 122470.

Submission:

Service of Pediatric Gastrohepatology and Metabolic Diseases, University of Medicine of Tirana
Classification: Likely pathogenic for Cornelia de Lange syndrome 1. Last evaluated: 2026-04-29. Review status: criteria provided, single submitter. Criteria: ACMG Guidelines, 2015. Collection method: clinical testing. Allele origin: germline. Inheritance: Autosomal dominant inheritance. Affected: yes. Observed: 1 variant allele.
Comment: NIPBL c.4344_4345del was classified as Likely pathogenic using ACMG/AMP 2015 criteria (PMID:25741868). The indel is predicted to cause frameshift/loss of function, supporting PVS1 in a gene where loss of function is a known mechanism for Cornelia de Lange syndrome 1 (OMIM:122470), together with PM2 for rarity/absence in population databases when reviewed and PP4 for phenotype consistency.